The following is an entry in ClinVar:

NM_000088.4(COL1A1):c.2530G>T (p.Ala844Ser)

Gene: COL1A1 (collagen type I alpha 1 chain; minus strand). Cytogenetic location: 17q21.33.
Variant type: single nucleotide variant.
Coding change: c.2530G>T on transcript NM_000088.4 (MANE Select); coding-DNA position 2530, G replaced by T.
Protein change: p.Ala844Ser; replaces alanine 844 with serine.
Molecular consequence: missense variant.
Genome position (GRCh38, 1-based): chr17:50,190,030, C>A on the plus strand (G>T on the coding strand, the complement: COL1A1 is on the minus strand). VCF-style: chr17-50190030-C-A. GRCh37 (hg19) VCF-style: chr17-48267391-C-A.
Other names: short protein forms A844S.
Identifiers: ClinVar variation 2140503 (VCV002140503.6), dbSNP rs751329063, ClinGen allele CA8644779.

ClinVar aggregate classification (germline): Conflicting classifications of pathogenicity. Review status: criteria provided, conflicting classifications (1 of 4 stars). 3 submissions from 3 submitters: Uncertain significance (2); Likely benign (1). Last evaluated 2026-07-07.

Conditions:
COL1A1-related disorder. Also called: COL1A1-related condition; COL1A1- related disease.
Osteogenesis imperfecta type I (OI1). Also called: OI, TYPE I; OSTEOGENESIS IMPERFECTA TARDA; OSTEOGENESIS IMPERFECTA WITH BLUE SCLERAE; Osteogenesis imperfecta type 1; Classic Non-deforming Osteogenesis Imperfecta with Blue Sclerae; Lobstein's Disease. Identifiers: Orphanet 216796, Orphanet 666, MedGen C0023931, MONDO:0008146, OMIM 166200. Disease mechanism: loss of function.
Cardiovascular phenotype. Identifiers: MedGen CN230736.

Allele frequency attached by ClinVar (database versions not stated): gnomAD exomes below 0.00001; ExAC 0.00001.
gnomAD v4.1: 6 of 1,613,100 alleles (0.00037%); highest among the groups gnomAD compares: Admixed American, 0.0033%; no homozygotes.

Submissions (3):

PreventionGenetics, part of Exact Sciences
Classification: Uncertain significance for COL1A1-related condition. Last evaluated: 2026-07-07. Review status: criteria provided, single submitter. Criteria: ACMG Guidelines, 2015. Collection method: clinical testing. Allele origin: germline.
Comment: The COL1A1 c.2530G>T variant is predicted to result in the amino acid substitution p.Ala844Ser. To our knowledge, this variant has not been reported in the literature. This variant is reported in 0.0058% of alleles in individuals of Latino descent in gnomAD. At this time, the clinical significance of this variant is uncertain due to the absence of conclusive functional and genetic evidence.

Ambry Genetics
Classification: Uncertain significance for Cardiovascular phenotype. Last evaluated: 2026-06-15. Review status: criteria provided, single submitter. Criteria: Ambry Variant Classification Scheme 2023. Collection method: clinical testing. Allele origin: germline.

Labcorp Genetics (formerly Invitae), Labcorp
Classification: Likely benign for Osteogenesis imperfecta type I. Last evaluated: 2025-10-01. Review status: criteria provided, single submitter. Criteria: Invitae Variant Classification Sherloc (09022015). Collection method: clinical testing. Allele origin: germline.